The following is an entry in ClinVar:

NM_001388492.1(HTT):c.1692C>T (p.Thr564=)

Gene: HTT (huntingtin; plus strand). Cytogenetic location: 4p16.3.
Variant type: single nucleotide variant.
Coding change: c.1692C>T on transcript NM_001388492.1 (MANE Select); coding-DNA position 1692, C replaced by T.
Protein change: p.Thr564=; no amino-acid change (threonine 564 retained).
Molecular consequence: synonymous variant.
Genome position (GRCh38, 1-based): chr4:3,127,553, C>T. VCF-style: chr4-3127553-C-T. GRCh37 (hg19) VCF-style: chr4-3129280-C-T.
Other names: c.1698C>T, p.Thr566= (NM_002111.8).
Identifiers: ClinVar variation 3037017 (VCV003037017.1), dbSNP rs769961683, ClinGen allele CA91433108.
Genomic context (GRCh38, chr4:3,127,553, plus strand): 5'-TGCCATGGACCTGAATGATGGGACCCAGGCCTCGTCGCCCATCAGCGACAGCTCCCAGAC[C>T]ACCACCGAAGGGCCTGATTCAGCTGTTACCCCTTCAGACAGTTCTGAAATTGTAAGTGGG-3'
Protein context (NP_001375421.1, residues 554-574): ASSPISDSSQ[Thr564=]TTEGPDSAVT

ClinVar aggregate classification (germline): Likely benign (1 of 4 stars; one submission).

Conditions:
HTT-related disorder. Also called: HTT-related condition.

Allele frequency attached by ClinVar (database versions not stated): gnomAD exomes below 0.00001; TOPMed below 0.00001.
gnomAD v4.1: 5 of 1,614,098 alleles (0.00031%); highest among the groups gnomAD compares: Non-Finnish European, 0.00034%; no homozygotes.

Submission:

PreventionGenetics, part of Exact Sciences
Classification: Likely benign for HTT-related condition. Last evaluated: 2021-01-11. Review status: criteria provided, single submitter. Criteria: ACMG Guidelines, 2015. Collection method: clinical testing. Allele origin: germline.
Comment: This variant is classified as likely benign based on ACMG/AMP sequence variant interpretation guidelines (Richards et al. 2015 PMID: 25741868, with internal and published modifications).